The following is an entry in ClinVar:

NM_001395656.1(ROBO2):c.2058T>C (p.Ser686=)

Genes: ROBO2 (roundabout guidance receptor 2; plus strand), LOC126806727 (BRD4-independent group 4 enhancer GRCh37_chr3:77623115-77624314; plus strand). Cytogenetic location: 3p12.3.
Variant type: single nucleotide variant.
Coding change: c.2058T>C on transcript NM_001395656.1 (MANE Select); coding-DNA position 2058, T replaced by C.
Protein change: p.Ser686=; no amino-acid change (serine 686 retained).
Molecular consequence: synonymous variant.
Genome position (GRCh38, 1-based): chr3:77,574,573, T>C. VCF-style: chr3-77574573-T-C. GRCh37 (hg19) VCF-style: chr3-77623724-T-C.
Other names: c.2094T>C, p.Ser698= (NM_001128929.3); c.2058T>C, p.Ser686= (NM_001290039.2, NM_001290040.2, NM_001378202.1); c.267T>C, p.Ser89= (NM_001290065.2); c.2106T>C, p.Ser702= (NM_001378190.1, NM_001378191.1, NM_001378195.1 and 4 more transcripts); c.2127T>C, p.Ser709= (NM_001378192.1, NM_001378194.1, NM_001378198.1 and 2 more transcripts); c.2046T>C, p.Ser682= (NM_001378193.1, NM_001378197.1, NM_002942.5); c.2115T>C, p.Ser705= (NM_001394212.1, NM_001394214.1, NM_001395657.1).
Identifiers: ClinVar variation 900886 (VCV000900886.7), dbSNP rs201652083, ClinGen allele CA2497228.

ClinVar aggregate classification (germline): Likely benign. Review status: criteria provided, single submitter (1 of 4 stars). 2 submissions from 2 submitters: Likely benign (1). 1 of the submissions does not count toward it. Last evaluated 2018-01-13.

Conditions:
Vesicoureteral reflux 2 (VUR2). Identifiers: Orphanet 289365, MedGen C1970483, MONDO:0012573, OMIM 610878.
ROBO2-related disorder. Also called: ROBO2-related condition.

Allele frequency attached by ClinVar (database versions not stated): ExAC 0.00002; gnomAD 0.00003 and 0.00004; gnomAD exomes 0.00003 and 0.00006; TOPMed 0.00003.
gnomAD v4.1: 98 of 1,613,386 alleles (0.0061%); highest among the groups gnomAD compares: Non-Finnish European, 0.0078%; no homozygotes.

Submissions (2):

Illumina Laboratory Services, Illumina
Classification: Likely benign for Vesicoureteral reflux 2. Last evaluated: 2018-01-13. Review status: criteria provided, single submitter. Criteria: ICSL Variant Classification Criteria 13 December 2019. Collection method: clinical testing. Allele origin: germline.
Comment: This variant was observed in the ICSL laboratory as part of a predisposition screen in an ostensibly healthy population. It had not been previously curated by ICSL or reported in the Human Gene Mutation Database (HGMD: prior to June 1st, 2018), and was therefore a candidate for classification through an automated scoring system. Utilizing variant allele frequency, disease prevalence and penetrance estimates, and inheritance mode, an automated score was calculated to assess if this variant is too frequent to cause the disease. Based on the score and internal cut-off values, a variant classified as likely benign is not then subjected to further curation. The score for this variant resulted in a classification of likely benign for this disease.

PreventionGenetics, part of Exact Sciences
Classification: Likely benign for ROBO2-related condition. Last evaluated: 2022-01-31. Review status: no assertion criteria provided. Collection method: clinical testing. Allele origin: germline. Not counted in ClinVar's aggregate classification.
Comment: This variant is classified as likely benign based on ACMG/AMP sequence variant interpretation guidelines (Richards et al. 2015 PMID: 25741868, with internal and published modifications).